The following is an entry in ClinVar:

ClinVar aggregate classification (germline): Conflicting classifications of pathogenicity. Review status: criteria provided, conflicting classifications (1 of 4 stars). 5 submissions from 5 submitters: Uncertain significance (4); Likely benign (1). Last evaluated 2026-01-26.

Conditions:
AIRE-related disorder. Also called: AIRE-related condition.
Polyglandular autoimmune syndrome, type 1 (APS1). Also called: APS I; AUTOIMMUNE POLYENDOCRINE SYNDROME, TYPE I, WITH OR WITHOUT REVERSIBLE METAPHYSEAL DYSPLASIA; Autoimmune polyendocrinopathy syndrome, type I; Autoimmune polyendocrine syndrome type 1; Whitaker syndrome; Autoimmune polyendocrinopathy syndrome , type I, with or without reversible metaphyseal dysplasia. Identifiers: Orphanet 3453, MedGen C0085859, MONDO:0009411, OMIM 240300.

Allele frequency attached by ClinVar (database versions not stated): gnomAD 0.00010; gnomAD exomes 0.00010 and 0.00026; TOPMed 0.00011; ExAC 0.00023; 1000 Genomes Project 30x 0.00031; 1000 Genomes Project 0.00040.
gnomAD v4.1: 175 of 1,612,794 alleles (0.011%); highest among the groups gnomAD compares: East Asian, 0.18%; no homozygotes.

Submissions (5):

Labcorp Genetics (formerly Invitae), Labcorp
Classification: Likely benign for Polyglandular autoimmune syndrome, type 1. Last evaluated: 2026-01-26. Review status: criteria provided, single submitter. Criteria: Invitae Variant Classification Sherloc (09022015). Collection method: clinical testing. Allele origin: germline.

PreventionGenetics, part of Exact Sciences
Classification: Uncertain significance for AIRE-related condition. Last evaluated: 2025-04-30. Review status: criteria provided, single submitter. Criteria: ACMG Guidelines, 2015. Collection method: clinical testing. Allele origin: germline.
Comment: The AIRE c.371C>T variant is predicted to result in the amino acid substitution p.Pro124Leu. This variant was reported in two individuals with autoimmune polyendocrinopathy syndrome type 1, who also had a second AIRE variant (p.Gly208Val) reported to be in cis (Zheng et al. 2020. PubMed ID: 32627016; Ruan et al. 2021. PubMed ID: 33468135). This variant is reported in 0.25% of alleles in individuals of East Asian descent in gnomAD. Although we suspect that this variant may be benign, at this time, the clinical significance of this variant is uncertain due to the absence of conclusive functional and genetic evidence.

Blueprint Genetics
Classification: Uncertain significance. Last evaluated: 2024-08-29. Review status: criteria provided, single submitter. Criteria: ACMG Guidelines, 2015. Collection method: clinical testing. Allele origin: germline.

Women's Health and Genetics/Laboratory Corporation of America, LabCorp
Classification: Uncertain significance. Last evaluated: 2022-12-28. Review status: criteria provided, single submitter. Criteria: LabCorp Variant Classification Summary - May 2015. Collection method: clinical testing. Allele origin: germline.
Comment: Variant summary: AIRE c.371C>T (p.Pro124Leu) results in a non-conservative amino acid change in the encoded protein sequence. Four of five in-silico tools predict a benign effect of the variant on protein function. The variant allele was found at a frequency of 0.00026 in 246854 control chromosomes (gnomAD). This frequency is not significantly higher than expected for a pathogenic variant in AIRE causing Autoimmune Polyglandular Syndrome Type 1 (0.00026 vs 0.0028), allowing no conclusion about variant significance. c.371C>T has been reported in the literature in individuals affected with Autoimmune Polyglandular Syndrome Type 1 (Zheng_2020, Ruan_2021), however, these reports do not provide unequivocal conclusions about association of the variant with Autoimmune Polyglandular Syndrome Type 1. To our knowledge, no experimental evidence demonstrating an impact on protein function has been reported. Two ClinVar submitters have assessed the variant since 2014: one classified the variant as uncertain significance and one as likely benign. Based on the evidence outlined above, the variant was classified as uncertain significance.

Department of Pathology and Laboratory Medicine, Sinai Health System
Classification: Uncertain significance for autoimmune polyendocrine syndrome type 1. Last evaluated: 2022-04-06. Review status: criteria provided, single submitter. Criteria: ACMG Guidelines, 2015. Collection method: research. Allele origin: germline.

Literature cited by the submitters: PubMed 33468135 (cited by Women's Health and Genetics/Laboratory Corporation of America, LabCorp); PubMed 32627016 (cited by Women's Health and Genetics/Laboratory Corporation of America, LabCorp).

NM_000383.4(AIRE):c.371C>T (p.Pro124Leu)

Gene: AIRE (autoimmune regulator; plus strand). Cytogenetic location: 21q22.3.
Variant type: single nucleotide variant.
Coding change: c.371C>T on transcript NM_000383.4 (MANE Select); coding-DNA position 371, C replaced by T.
Protein change: p.Pro124Leu; replaces proline 124 with leucine.
Molecular consequence: missense variant.
Genome position (GRCh38, 1-based): chr21:44,287,041, C>T. VCF-style: chr21-44287041-C-T. GRCh37 (hg19) VCF-style: chr21-45706924-C-T.
Other names: c.371C>T (LRG_18t1); short protein forms P124L.
Identifiers: ClinVar variation 35664 (VCV000035664.18), dbSNP rs193922417, ClinGen allele CA213506.